The following is an entry in ClinVar:

ClinVar aggregate classification (germline): Uncertain significance. Review status: criteria provided, multiple submitters, no conflicts (2 of 4 stars). 2 submissions from 2 submitters: Uncertain significance (2). Last evaluated 2024-07-16.

Allele frequency attached by ClinVar (database versions not stated): gnomAD exomes 0.00001 and 0.00002; TOPMed 0.00001; ExAC 0.00002.

Submissions (2):

GeneDx
Classification: Uncertain significance. Last evaluated: 2024-07-16. Review status: criteria provided, single submitter. Criteria: GeneDx Variant Classification Process June 2021. Collection method: clinical testing. Allele origin: germline. Affected: yes.
Comment: Not observed at significant frequency in large population cohorts (gnomAD); In silico analysis supports that this missense variant has a deleterious effect on protein structure/function; Has not been previously published as pathogenic or benign to our knowledge

Labcorp Genetics (formerly Invitae), Labcorp
Classification: Uncertain significance. Last evaluated: 2021-11-27. Review status: criteria provided, single submitter. Criteria: Invitae Variant Classification Sherloc (09022015). Collection method: clinical testing. Allele origin: germline.
Comment: This sequence change replaces isoleucine, which is neutral and non-polar, with phenylalanine, which is neutral and non-polar, at codon 201 of the MME protein (p.Ile201Phe). This variant is present in population databases (rs760907721, gnomAD 0.004%). This variant has not been reported in the literature in individuals affected with MME-related conditions. Algorithms developed to predict the effect of missense changes on protein structure and function output the following: SIFT: "Tolerated"; PolyPhen-2: "Possibly Damaging"; Align-GVGD: "Class C0". The phenylalanine amino acid residue is found in multiple mammalian species, which suggests that this missense change does not adversely affect protein function. In summary, the available evidence is currently insufficient to determine the role of this variant in disease. Therefore, it has been classified as a Variant of Uncertain Significance.

NM_007289.4(MME):c.601A>T (p.Ile201Phe)

Gene: MME (membrane metalloendopeptidase; plus strand). Cytogenetic location: 3q25.2.
Variant type: single nucleotide variant.
Coding change: c.601A>T on transcript NM_007289.4 (MANE Select); coding-DNA position 601, A replaced by T.
Protein change: p.Ile201Phe; replaces isoleucine 201 with phenylalanine.
Molecular consequence: missense variant.
Genome position (GRCh38, 1-based): chr3:155,116,933, A>T. VCF-style: chr3-155116933-A-T. GRCh37 (hg19) VCF-style: chr3-154834722-A-T.
Other names: c.601A>T, p.Ile201Phe (NM_000902.5, NM_001354642.2, NM_001354643.1 and 2 more transcripts); c.601A>T (NM_007289.2); short protein forms I201F.
Identifiers: ClinVar variation 1405707 (VCV001405707.4), dbSNP rs760907721, ClinGen allele CA2675215.